The following is an entry in ClinVar:

ClinVar aggregate classification (germline): Pathogenic (1 of 4 stars; one submission).

Conditions:
Hereditary angioedema type 1 (HAE1). Identifiers: Orphanet 100050, Orphanet 100051, Orphanet 91378, MedGen C2717906, MONDO:0015053, OMIM 106100.

Submission:

Department of Immunology and Histocompatibility, University of Thessaly
Classification: Pathogenic for Hereditary angioedema type 1. Last evaluated: 2016-08-12. Review status: criteria provided, single submitter. Criteria: ACMG Guidelines, 2015. Collection method: clinical testing. Allele origin: de novo. Affected: yes. Observed: 1 variant allele.
Comment: The NM_000062.2:c.55A>T (p.Arg19Ter) mutation is a nonsense variant that reduces the protein length (C1-INH), by the formation of a termination codon. The predicted truncated protein is missing 459aa. The mutation has neither been detected in controls (Exome Sequencing Project, 1000Genome Project) nor reported in databases. Taking into account all the above and according to ACMG standards and guidelines the mutation is considered pathogenic.

NM_000062.3(SERPING1):c.55A>T (p.Arg19Ter)

Gene: SERPING1 (serpin family G member 1; plus strand). Cytogenetic location: 11q12.1.
Variant type: single nucleotide variant.
Coding change: c.55A>T on transcript NM_000062.3 (MANE Select); coding-DNA position 55, A replaced by T.
Protein change: p.Arg19Ter; replaces arginine 19 with a stop codon.
Molecular consequence: nonsense.
Genome position (GRCh38, 1-based): chr11:57,599,882, A>T. VCF-style: chr11-57599882-A-T. GRCh37 (hg19) VCF-style: chr11-57367355-A-T.
Other names: c.55A>T, p.Arg19Ter (NM_001032295.2); short protein forms R19*.
Identifiers: ClinVar variation 619175 (VCV000619175.2), dbSNP rs1565169419, ClinGen allele CA380694195.